The following is an entry in ClinVar:

NM_000069.3(CACNA1S):c.4339-2A>G

Gene: CACNA1S (calcium voltage-gated channel subunit alpha1 S; minus strand). Cytogenetic location: 1q32.1.
Variant type: single nucleotide variant.
Coding change: c.4339-2A>G on transcript NM_000069.3 (MANE Select); the canonical splice acceptor site of the intron before coding-DNA position 4339, A replaced by G.
Molecular consequence: splice acceptor variant.
Genome position (GRCh38, 1-based): chr1:201,048,686, T>C on the plus strand (A>G on the coding strand, the complement: CACNA1S is on the minus strand). VCF-style: chr1-201048686-T-C. GRCh37 (hg19) VCF-style: chr1-201017814-T-C.
Identifiers: ClinVar variation 5005559 (VCV005005559.2).
Genomic context (GRCh38, chr1:201,048,686, plus strand): 5'-GTGGCATTGAAGGTGACTGTGCCGTCGCTGTTCAGGGGCATGTTCATGCCCACCAGCCGC[T>C]GTACAGGGAGACGCAGTGGCCTGCCGCTGAGCTGGGACCAGGCCAAGCTTGGCAAGTCAT-3'

ClinVar aggregate classification (germline): Likely pathogenic (1 of 4 stars; one submission).

Conditions:
Congenital myopathy 18. Also called: Myopathy, congenital, due to dihydropyridine receptor defect; DIHYDROPYRIDINE RECEPTOR CONGENITAL MYOPATHY; DHPR CONGENITAL MYOPATHY. Identifiers: MedGen C5830283, MONDO:0859514, OMIM 620246.
Hypokalemic periodic paralysis, type 1. Also called: Hypokalemic Periodic Paralysis Type 1 (AD); HypoPP. Identifiers: Orphanet 681, MedGen C3714580, MONDO:0042979, OMIM 170400.
Thyrotoxic periodic paralysis, susceptibility to, 1 (TTPP1). Identifiers: Orphanet 79102, MedGen C2749982, MONDO:0008570, OMIM 188580.
Malignant hyperthermia, susceptibility to, 5 (MHS5). Also called: CACNA1S-Related Malignant Hyperthermia Susceptibility. Identifiers: Orphanet 423, MedGen C1866077, MONDO:0011163, OMIM 601887.

Submission:

Juno Genomics, Hangzhou Juno Genomics, Inc
Classification: Likely pathogenic for Congenital myopathy 18; Malignant hyperthermia, susceptibility to, 5; Thyrotoxic periodic paralysis, susceptibility to, 1; Hypokalemic periodic paralysis, type 1. Review status: criteria provided, single submitter. Criteria: ACMG Guidelines, 2015. Collection method: clinical testing. Allele origin: germline.
Comment: Null variant in a gene where loss of function (LOF) is a known mechanism of disease.;Absent from controls (or at extremely low frequency if recessive) in Genome Aggregation Database.